The following is an entry in ClinVar:

NM_130837.3(OPA1):c.821A>C (p.Gln274Pro)

Gene: OPA1 (OPA1 mitochondrial dynamin like GTPase; plus strand). Cytogenetic location: 3q29.
Variant type: single nucleotide variant.
Coding change: c.821A>C on transcript NM_130837.3 (MANE Select); coding-DNA position 821, A replaced by C.
Protein change: p.Gln274Pro; replaces glutamine 274 with proline.
Molecular consequence: missense variant.
Genome position (GRCh38, 1-based): chr3:193,631,643, A>C. VCF-style: chr3-193631643-A-C. GRCh37 (hg19) VCF-style: chr3-193349432-A-C.
Other names: c.767A>C, p.Gln256Pro (NM_130836.3); c.287A>C, p.Gln96Pro (NM_001354663.2); c.284A>C, p.Gln95Pro (NM_001354664.2); c.656A>C, p.Gln219Pro (NM_015560.3); c.548A>C, p.Gln183Pro (NM_130831.3); c.602A>C, p.Gln201Pro (NM_130832.3); c.659A>C, p.Gln220Pro (NM_130833.3); c.710A>C, p.Gln237Pro (NM_130834.3); and 1 more; short protein forms Q237P, Q95P, Q183P, Q201P, Q238P, Q274P, Q220P, Q96P.
Identifiers: ClinVar variation 3670261 (VCV003670261.2).

ClinVar aggregate classification (germline): Uncertain significance (1 of 4 stars; one submission).

Submission:

Labcorp Genetics (formerly Invitae), Labcorp
Classification: Uncertain significance. Last evaluated: 2024-06-07. Review status: criteria provided, single submitter. Criteria: Invitae Variant Classification Sherloc (09022015). Collection method: clinical testing. Allele origin: germline.
Comment: This sequence change replaces glutamine, which is neutral and polar, with proline, which is neutral and non-polar, at codon 219 of the OPA1 protein (p.Gln219Pro). This variant is not present in population databases (gnomAD no frequency). This variant has not been reported in the literature in individuals affected with OPA1-related conditions. Advanced modeling of protein sequence and biophysical properties (such as structural, functional, and spatial information, amino acid conservation, physicochemical variation, residue mobility, and thermodynamic stability) performed at Invitae indicates that this missense variant is not expected to disrupt OPA1 protein function with a negative predictive value of 80%. In summary, the available evidence is currently insufficient to determine the role of this variant in disease. Therefore, it has been classified as a Variant of Uncertain Significance.